The following is an entry in ClinVar:

ClinVar aggregate classification (germline): Uncertain significance (1 of 4 stars; one submission).

Conditions:
Severe combined immunodeficiency due to DNA-PKcs deficiency. Also called: IMMUNODEFICIENCY 26 WITH NEUROLOGIC ABNORMALITIES; Immunodeficiency 26 with or without neurologic abnormalities. Identifiers: Orphanet 317425, MedGen C4014833, MONDO:0014423, OMIM 615966.

Allele frequency attached by ClinVar (database versions not stated): gnomAD 0.00002 and 0.00004; TOPMed 0.00004; 1000 Genomes Project 30x 0.00016; 1000 Genomes Project 0.00020.
gnomAD v4.1: 127 of 1,613,806 alleles (0.0079%); highest among the groups gnomAD compares: East Asian, 0.25%; no homozygotes.

Submission:

Labcorp Genetics (formerly Invitae), Labcorp
Classification: Uncertain significance for Severe combined immunodeficiency due to DNA-PKcs deficiency. Last evaluated: 2022-07-18. Review status: criteria provided, single submitter. Criteria: Invitae Variant Classification Sherloc (09022015). Collection method: clinical testing. Allele origin: germline.
Comment: This sequence change replaces arginine, which is basic and polar, with glutamine, which is neutral and polar, at codon 2753 of the PRKDC protein (p.Arg2753Gln). This variant is present in population databases (rs138760849, gnomAD 0.1%). This variant has not been reported in the literature in individuals affected with PRKDC-related conditions. ClinVar contains an entry for this variant (Variation ID: 841715). Experimental studies and prediction algorithms are not available or were not evaluated, and the functional significance of this variant is currently unknown. In summary, the available evidence is currently insufficient to determine the role of this variant in disease. Therefore, it has been classified as a Variant of Uncertain Significance.

NM_006904.7(PRKDC):c.8258G>A (p.Arg2753Gln)

Gene: PRKDC (protein kinase, DNA-activated, catalytic subunit; minus strand). Cytogenetic location: 8q11.21.
Variant type: single nucleotide variant.
Coding change: c.8258G>A on transcript NM_006904.7 (MANE Select); coding-DNA position 8258, G replaced by A.
Protein change: p.Arg2753Gln; replaces arginine 2753 with glutamine.
Molecular consequence: missense variant.
Genome position (GRCh38, 1-based): chr8:47,831,821, C>T on the plus strand (G>A on the coding strand, the complement: PRKDC is on the minus strand). VCF-style: chr8-47831821-C-T. GRCh37 (hg19) VCF-style: chr8-48744382-C-T.
Other names: c.8258G>A, p.Arg2753Gln (NM_001081640.2); short protein forms R2753Q.
Identifiers: ClinVar variation 841715 (VCV000841715.4), dbSNP rs138760849, ClinGen allele CA4739891.
Genomic context (GRCh38, chr8:47,831,821, plus strand): 5'-ATCCTGTGACAGAAACTGCATCGTTCTGATCAAATTCTTGACAAGATACAAACCTTCTCT[C>T]GTTTTTGCTCAGCAACGCCTTTTCTGGCATACATCAAACTGAGCTTCTCCTGGTCCCTCA-3'
Protein context (NP_008835.5, residues 2743-2763): YARKGVAEQK[Arg2753Gln]EKEIKSELKM